The following is an entry in ClinVar:

ClinVar aggregate classification (germline): Uncertain significance (1 of 4 stars; one submission).

Conditions:
SEMA3B-related disorder. Also called: SEMA3B-related condition.

gnomAD v4.1: 3 of 1,594,710 alleles (0.00019%); highest among the groups gnomAD compares: African/African-American, 0.0027%; no homozygotes.

Submission:

PreventionGenetics, part of Exact Sciences
Classification: Uncertain significance for SEMA3B-related condition. Last evaluated: 2024-11-12. Review status: criteria provided, single submitter. Criteria: ACMG Guidelines, 2015. Collection method: clinical testing. Allele origin: germline.
Comment: The SEMA3B c.2198G>T variant is predicted to result in the amino acid substitution p.Arg733Leu. To our knowledge, this variant has not been reported in the literature or in a large population database, indicating this variant is rare. At this time, the clinical significance of this variant is uncertain due to the absence of conclusive functional and genetic evidence.

NM_001290060.2(SEMA3B):c.2183G>T (p.Arg728Leu)

Gene: SEMA3B (semaphorin 3B; plus strand). Cytogenetic location: 3p21.31.
Variant type: single nucleotide variant.
Coding change: c.2183G>T on transcript NM_001290060.2 (MANE Select); coding-DNA position 2183, G replaced by T.
Protein change: p.Arg728Leu; replaces arginine 728 with leucine.
Molecular consequence: missense variant. On other transcripts: non-coding transcript variant (1).
Genome position (GRCh38, 1-based): chr3:50,276,639, G>T. VCF-style: chr3-50276639-G-T. GRCh37 (hg19) VCF-style: chr3-50314070-G-T.
Other names: c.2180G>T, p.Arg727Leu (NM_001005914.3); c.2198G>T, p.Arg733Leu (NM_001290061.1); c.1154G>T, p.Arg385Leu (NM_001290062.2, NM_001290063.2); c.2183G>T, p.Arg728Leu (NM_004636.4); short protein forms R385L, R727L, R728L, R733L.
Identifiers: ClinVar variation 3357494 (VCV003357494.2).